The following is an entry in ClinVar:

NM_001377.3(DYNC2H1):c.2621del (p.Lys874fs)

Gene: DYNC2H1 (dynein cytoplasmic 2 heavy chain 1; plus strand). Cytogenetic location: 11q22.3.
Variant type: Deletion.
Coding change: c.2621del on transcript NM_001377.3 (MANE Select); coding-DNA position 2621, one base deleted (A; older notation c.2621delA).
Protein change: p.Lys874fs; shifts the reading frame from lysine 874.
Molecular consequence: frameshift variant.
Genome position (GRCh38, 1-based): chr11:103,143,314, A deleted; the last of 4 consecutive A bases (chr11:103,143,311-103,143,314); deleting any one gives the same sequence. VCF-style (leftmost placement, unchanged base first): chr11-103143310-GA-G. GRCh37 (hg19) VCF-style: chr11-103014039-GA-G.
Other names: c.2621del, p.Lys874fs (NM_001080463.2); short protein forms K874fs.
Identifiers: ClinVar variation 5019868 (VCV005019868.3).
Genomic context (GRCh38, chr11:103,143,310, plus strand): 5'-TTTTCTTTCTTTAAATAGGAATGGATTGTAATTGGGCAAGTTGATATGGAAGCTCTGGTG[GA>G]AAAGCATCTTTTTACTGTACATGATTGGGAGAAAAATTTTAAAGCATTAAAAATAAAGGG-3'

ClinVar aggregate classification (germline): Likely pathogenic (1 of 4 stars; one submission).

Conditions:
Asphyxiating thoracic dystrophy 3. Also called: POLYDACTYLY WITH NEONATAL CHONDRODYSTROPHY, TYPE I; SHORT-RIB THORACIC DYSPLASIA 3/6 WITH POLYDACTYLY, DIGENIC; SHORT-RIB THORACIC DYSPLASIA 3 WITH OR WITHOUT POLYDACTYLY; Saldino-Noonan Syndrome; Short rib polydactyly syndrome 2B. Identifiers: Orphanet 474, Orphanet 93269, Orphanet 93270, Orphanet 93271, MedGen C0036069, MONDO:0013127, OMIM 613091.

Submission:

Juno Genomics, Hangzhou Juno Genomics, Inc
Classification: Likely pathogenic for Asphyxiating thoracic dystrophy 3. Review status: criteria provided, single submitter. Criteria: ACMG Guidelines, 2015. Collection method: clinical testing. Allele origin: germline.
Comment: Absent from controls (or at extremely low frequency if recessive) in Genome Aggregation Database.;Null variant in a gene where loss of function (LOF) is a known mechanism of disease.